The following is an entry in ClinVar:

NM_000440.3(PDE6A):c.1376A>C (p.Lys459Thr)

Gene: PDE6A (phosphodiesterase 6A; minus strand). Cytogenetic location: 5q32.
Variant type: single nucleotide variant.
Coding change: c.1376A>C on transcript NM_000440.3 (MANE Select); coding-DNA position 1376, A replaced by C.
Protein change: p.Lys459Thr; replaces lysine 459 with threonine.
Molecular consequence: missense variant.
Genome position (GRCh38, 1-based): chr5:149,898,394, T>G on the plus strand (A>C on the coding strand, the complement: PDE6A is on the minus strand). VCF-style: chr5-149898394-T-G. GRCh37 (hg19) VCF-style: chr5-149277957-T-G.
Other names: short protein forms K459T.
Identifiers: ClinVar variation 1390501 (VCV001390501.9), dbSNP rs770935897, ClinGen allele CA3504719.

ClinVar aggregate classification (germline): Uncertain significance. Review status: criteria provided, multiple submitters, no conflicts (2 of 4 stars). 2 submissions from 2 submitters: Uncertain significance (2). Last evaluated 2022-03-25.

Allele frequency attached by ClinVar (database versions not stated): gnomAD exomes below 0.00001 and 0.00001; ExAC 0.00001; gnomAD 0.00001; TOPMed 0.00001.
gnomAD v4.1: 3 of 1,613,522 alleles (0.00019%); highest among the groups gnomAD compares: Admixed American, 0.005%; no homozygotes.

Submissions (2):

Blueprint Genetics
Classification: Uncertain significance. Last evaluated: 2022-03-25. Review status: criteria provided, single submitter. Criteria: ACMG Guidelines, 2015. Collection method: clinical testing. Allele origin: germline.

Labcorp Genetics (formerly Invitae), Labcorp
Classification: Uncertain significance. Last evaluated: 2022-02-20. Review status: criteria provided, single submitter. Criteria: Invitae Variant Classification Sherloc (09022015). Collection method: clinical testing. Allele origin: germline.
Comment: This sequence change replaces lysine, which is basic and polar, with threonine, which is neutral and polar, at codon 459 of the PDE6A protein (p.Lys459Thr). In summary, the available evidence is currently insufficient to determine the role of this variant in disease. Therefore, it has been classified as a Variant of Uncertain Significance. Algorithms developed to predict the effect of missense changes on protein structure and function are either unavailable or do not agree on the potential impact of this missense change (SIFT: "Deleterious"; PolyPhen-2: "Probably Damaging"; Align-GVGD: "Class C0"). This variant has not been reported in the literature in individuals affected with PDE6A-related conditions. This variant is present in population databases (rs770935897, gnomAD 0.006%).